The following is an entry in ClinVar:

ClinVar aggregate classification (germline): Pathogenic (1 of 4 stars; one submission).

Conditions:
Tuberous sclerosis 2 (TSC2). Identifiers: Orphanet 805, MedGen C1860707, MONDO:0013199, OMIM 613254.

Submission:

Labcorp Genetics (formerly Invitae), Labcorp
Classification: Pathogenic for Tuberous sclerosis 2. Last evaluated: 2023-01-20. Review status: criteria provided, single submitter. Criteria: Invitae Variant Classification Sherloc (09022015). Collection method: clinical testing. Allele origin: germline.
Comment: For these reasons, this variant has been classified as Pathogenic. Experimental studies and prediction algorithms are not available or were not evaluated, and the functional significance of this variant is currently unknown. This variant is also known as deletion of exon 2. A similar copy number variant has been observed in individual(s) with tuberous sclerosis (PMID: 21520333). In at least one individual the variant was observed to be de novo. This variant is a gross deletion of the genomic region encompassing exon(s) 3 of the TSC2 gene. This variant would be expected to be in-frame, preserving the integrity of the reading frame.

Literature cited by the submitters: PubMed 21520333.

NC_000016.9:g.(?_2100381)_(2100507_?)del

Gene: TSC2 (TSC complex subunit 2; plus strand). Cytogenetic location: 16p13.3.
Variant type: Deletion.
Identifiers: ClinVar variation 467839 (VCV000467839.6).